The following is an entry in ClinVar:

NM_025243.4(SLC19A3):c.761C>G (p.Pro254Arg)

Gene: SLC19A3 (solute carrier family 19 member 3; minus strand). Cytogenetic location: 2q36.3.
Variant type: single nucleotide variant.
Coding change: c.761C>G on transcript NM_025243.4 (MANE Select); coding-DNA position 761, C replaced by G.
Protein change: p.Pro254Arg; replaces proline 254 with arginine.
Molecular consequence: missense variant.
Genome position (GRCh38, 1-based): chr2:227,698,954, G>C on the plus strand (C>G on the coding strand, the complement: SLC19A3 is on the minus strand). VCF-style: chr2-227698954-G-C. GRCh37 (hg19) VCF-style: chr2-228563670-G-C.
Other names: short protein forms P254R.
Identifiers: ClinVar variation 660131 (VCV000660131.9), dbSNP rs1574558960, ClinGen allele CA350876535.
Genomic context (GRCh38, chr2:227,698,954, plus strand): 5'-GAGTAGCACTCCTTCAAATCTTGGAACCACTGCACAAAAACGTCCACAGTCACATTGCTT[G>C]GTTTCAGGCTGTTCAGCTGGCCCTTATTCAGCTTCCCTGAAGTGCTGAGTATTTCTGATG-3'
Protein context (NP_079519.1, residues 244-264): LNKGQLNSLK[Pro254Arg]SNVTVDVFVQ

ClinVar aggregate classification (germline): Uncertain significance. Review status: criteria provided, multiple submitters, no conflicts (2 of 4 stars). 2 submissions from 2 submitters: Uncertain significance (2). Last evaluated 2024-03-28.

Conditions:
Inborn genetic diseases. Identifiers: MedGen C0950123, MeSH D030342.
Biotin-responsive basal ganglia disease (BTBGD). Also called: Thiamine metabolism dysfunction syndrome 2 (biotin- or thiamine-responsive encephalopathy type 2); thiamine-responsive encephalopathy; THIAMINE METABOLISM DYSFUNCTION SYNDROME 2 (BIOTIN- AND THIAMINE-RESPONSIVE TYPE); Thiamine metabolism dysfunction syndrome type 2; Thiamine Transporter-2 Deficiency. Identifiers: Orphanet 199348, Orphanet 65284, MedGen C1843807, MONDO:0011841, OMIM 607483.

Allele frequency attached by ClinVar (database versions not stated): TOPMed below 0.00001.

Submissions (2):

Ambry Genetics
Classification: Uncertain significance for Inborn genetic diseases. Last evaluated: 2024-03-28. Review status: criteria provided, single submitter. Criteria: Ambry Variant Classification Scheme 2023. Collection method: clinical testing. Allele origin: germline.

Labcorp Genetics (formerly Invitae), Labcorp
Classification: Uncertain significance for Biotin-responsive basal ganglia disease. Last evaluated: 2021-08-20. Review status: criteria provided, single submitter. Criteria: Invitae Variant Classification Sherloc (09022015). Collection method: clinical testing. Allele origin: germline.
Comment: This sequence change replaces proline with arginine at codon 254 of the SLC19A3 protein (p.Pro254Arg). The proline residue is moderately conserved and there is a moderate physicochemical difference between proline and arginine. This variant is not present in population databases (ExAC no frequency). This variant has not been reported in the literature in individuals affected with SLC19A3-related conditions. Algorithms developed to predict the effect of missense changes on protein structure and function are either unavailable or do not agree on the potential impact of this missense change (SIFT: "Tolerated"; PolyPhen-2: "Possibly Damaging"; Align-GVGD: "Class C0"). In summary, the available evidence is currently insufficient to determine the role of this variant in disease. Therefore, it has been classified as a Variant of Uncertain Significance.